The following is an entry in ClinVar:

ClinVar aggregate classification (germline): Benign. Review status: criteria provided, multiple submitters, no conflicts (2 of 4 stars). 12 submissions from 12 submitters: Benign (9). 3 of the submissions do not count toward it. Last evaluated 2026-02-04.

Conditions:
Familial hypokalemia-hypomagnesemia (GTLMNS). Also called: gitelman syndrome; POTASSIUM AND MAGNESIUM DEPLETION; HYPOMAGNESEMIA-HYPOKALEMIA, PRIMARY RENOTUBULAR, WITH HYPOCALCIURIA. Identifiers: Orphanet 358, MedGen C0268450, MONDO:0009904, OMIM 263800.

Allele frequency attached by ClinVar (database versions not stated): ESP Exome Variant Server 0.08249; gnomAD 0.09125 and 0.09612; TOPMed 0.09968; gnomAD exomes 0.10365 and 0.12577; ExAC 0.12020; 1000 Genomes Project 30x 0.12914; 1000 Genomes Project 0.13199.
gnomAD v4.1: 166,588 of 1,613,402 alleles (10%); highest among the groups gnomAD compares: East Asian, 25%; 9,953 homozygotes.

Submissions (12):

Labcorp Genetics (formerly Invitae), Labcorp
Classification: Benign. Last evaluated: 2026-02-04. Review status: criteria provided, single submitter. Criteria: Invitae Variant Classification Sherloc (09022015). Collection method: clinical testing. Allele origin: germline.

Blueprint Genetics
Classification: Benign. Last evaluated: 2024-11-27. Review status: criteria provided, single submitter. Criteria: ACMG Guidelines, 2015. Collection method: clinical testing. Allele origin: germline.

Mayo Clinic Laboratories, Mayo Clinic
Classification: Benign. Last evaluated: 2022-03-09. Review status: criteria provided, single submitter. Criteria: ACMG Guidelines, 2015. Collection method: clinical testing. Allele origin: germline. Observed: 28 variant alleles.

Genome-Nilou Lab
Classification: Benign for Familial hypokalemia-hypomagnesemia. Last evaluated: 2021-07-15. Review status: criteria provided, single submitter. Criteria: ACMG Guidelines, 2015. Collection method: clinical testing. Allele origin: germline. Affected: no.

GeneDx
Classification: Benign. Last evaluated: 2019-09-29. Review status: criteria provided, single submitter. Criteria: GeneDx Variant Classification Process June 2021. Collection method: clinical testing. Allele origin: germline. Affected: yes.

Illumina Laboratory Services, Illumina
Classification: Benign for Familial hypokalemia-hypomagnesemia. Last evaluated: 2018-01-13. Review status: criteria provided, single submitter. Criteria: ICSL Variant Classification Criteria 13 December 2019. Collection method: clinical testing. Allele origin: germline.
Comment: This variant was observed in the ICSL laboratory as part of a predisposition screen in an ostensibly healthy population. It had not been previously curated by ICSL or reported in the Human Gene Mutation Database (HGMD: prior to June 1st, 2018), and was therefore a candidate for classification through an automated scoring system. Utilizing variant allele frequency, disease prevalence and penetrance estimates, and inheritance mode, an automated score was calculated to assess if this variant is too frequent to cause the disease. Based on the score and internal cut-off values, a variant classified as benign is not then subjected to further curation. The score for this variant resulted in a classification of benign for this disease.

Athena Diagnostics
Classification: Benign for Familial hypokalemia-hypomagnesemia. Last evaluated: 2017-06-29. Review status: criteria provided, single submitter. Criteria: Athena Diagnostics Criteria. Collection method: clinical testing. Allele origin: germline.

Breakthrough Genomics
Classification: Benign. Review status: criteria provided, single submitter. Criteria: ACMG Guidelines, 2015. Collection method: not provided. Allele origin: germline. Inheritance: Autosomal recessive inheritance. Affected: yes.

PreventionGenetics, part of Exact Sciences
Classification: Benign. Review status: criteria provided, single submitter. Criteria: ACMG Guidelines, 2015. Collection method: clinical testing. Allele origin: germline.

Natera, Inc.
Classification: Benign for Gitelman syndrome. Last evaluated: 2020-09-16. Review status: no assertion criteria provided. Collection method: clinical testing. Allele origin: germline. Not counted in ClinVar's aggregate classification.

Genome Diagnostics Laboratory, University Medical Center Utrecht
Classification: Benign. Review status: no assertion criteria provided. Collection method: clinical testing. Allele origin: germline. Affected: yes. Study: VKGL Data-share Consensus. Not counted in ClinVar's aggregate classification.

Joint Genome Diagnostic Labs from Nijmegen and Maastricht, Radboudumc and MUMC+
Classification: Benign. Review status: no assertion criteria provided. Collection method: clinical testing. Allele origin: germline. Affected: yes. Study: VKGL Data-share Consensus. Not counted in ClinVar's aggregate classification.

NM_001126108.2(SLC12A3):c.2598C>T (p.Gly866=)

Gene: SLC12A3 (solute carrier family 12 member 3; plus strand). Cytogenetic location: 16q13.
Variant type: single nucleotide variant.
Coding change: c.2598C>T on transcript NM_001126108.2 (MANE Select); coding-DNA position 2598, C replaced by T.
Protein change: p.Gly866=; no amino-acid change (glycine 866 retained).
Molecular consequence: synonymous variant.
Genome position (GRCh38, 1-based): chr16:56,894,607, C>T. VCF-style: chr16-56894607-C-T. GRCh37 (hg19) VCF-style: chr16-56928519-C-T.
Other names: p.Gly875=; c.2625C>T, p.Gly875= (NM_000339.3); c.2622C>T, p.Gly874= (NM_001126107.2).
Identifiers: ClinVar variation 255887 (VCV000255887.25), dbSNP rs5804, ClinGen allele CA8069977.